The following is an entry in ClinVar:

NM_001854.4(COL11A1):c.5360A>T (p.Asp1787Val)

Gene: COL11A1 (collagen type XI alpha 1 chain; minus strand). Cytogenetic location: 1p21.1.
Variant type: single nucleotide variant.
Coding change: c.5360A>T on transcript NM_001854.4 (MANE Select); coding-DNA position 5360, A replaced by T.
Protein change: p.Asp1787Val; replaces aspartic acid 1787 with valine.
Molecular consequence: missense variant. On other transcripts: non-coding transcript variant (1).
Genome position (GRCh38, 1-based): chr1:102,878,080, T>A on the plus strand (A>T on the coding strand, the complement: COL11A1 is on the minus strand). VCF-style: chr1-102878080-T-A. GRCh37 (hg19) VCF-style: chr1-103343636-T-A.
Other names: c.5012A>T, p.Asp1671Val (NM_001168249.1, NM_080630.4); c.5243A>T, p.Asp1748Val (NM_001190709.2); c.5396A>T, p.Asp1799Val (NM_080629.3); short protein forms D1799V, D1748V, D1671V, D1787V.
Identifiers: ClinVar variation 2763316 (VCV002763316.3), dbSNP rs2524143716, ClinGen allele CA341210516.

ClinVar aggregate classification (germline): Uncertain significance (1 of 4 stars; one submission).

Submission:

Labcorp Genetics (formerly Invitae), Labcorp
Classification: Uncertain significance. Last evaluated: 2023-09-25. Review status: criteria provided, single submitter. Criteria: Invitae Variant Classification Sherloc (09022015). Collection method: clinical testing. Allele origin: germline.
Comment: This sequence change replaces aspartic acid, which is acidic and polar, with valine, which is neutral and non-polar, at codon 1787 of the COL11A1 protein (p.Asp1787Val). This variant is not present in population databases (gnomAD no frequency). This variant has not been reported in the literature in individuals affected with COL11A1-related conditions. Advanced modeling of protein sequence and biophysical properties (such as structural, functional, and spatial information, amino acid conservation, physicochemical variation, residue mobility, and thermodynamic stability) has been performed at Invitae for this missense variant, however the output from this modeling did not meet the statistical confidence thresholds required to predict the impact of this variant on COL11A1 protein function. In summary, the available evidence is currently insufficient to determine the role of this variant in disease. Therefore, it has been classified as a Variant of Uncertain Significance.